The following is an entry in ClinVar:

NM_172107.4(KCNQ2):c.740C>G (p.Ser247Trp)

Gene: KCNQ2 (potassium voltage-gated channel subfamily Q member 2; minus strand). Cytogenetic location: 20q13.33.
Variant type: single nucleotide variant.
Coding change: c.740C>G on transcript NM_172107.4 (MANE Select); coding-DNA position 740, C replaced by G.
Protein change: p.Ser247Trp; replaces serine 247 with tryptophan.
Molecular consequence: missense variant.
Genome position (GRCh38, 1-based): chr20:63,442,482, G>C on the plus strand (C>G on the coding strand, the complement: KCNQ2 is on the minus strand). VCF-style: chr20-63442482-G-C. GRCh37 (hg19) VCF-style: chr20-62073835-G-C.
Other names: c.740C>G, p.Ser247Trp (NM_004518.6, NM_172106.3, NM_172108.5 and 1 more transcripts); short protein forms S247W.
Identifiers: ClinVar variation 7389 (VCV000007389.16), dbSNP rs74315392, ClinGen allele CA130021.

ClinVar aggregate classification (germline): Pathogenic. Review status: criteria provided, multiple submitters, no conflicts (2 of 4 stars). 4 submissions from 4 submitters: Pathogenic (2). 2 of the submissions do not count toward it. Last evaluated 2023-10-07.

Conditions:
Early-infantile DEE. Also called: Ohtahara syndrome; Early infantile epileptic encephalopathy with suppression bursts; Early infantile epileptic encephalopathy. Identifiers: Orphanet 1934, MedGen C0393706, MONDO:0800491.
Developmental and epileptic encephalopathy, 7 (DEE7). Also called: Early infantile epileptic encephalopathy 7; KCNQ2-Related Neonatal-Onset Developmental and Epileptic Encephalopathy (NEO-DEE); KCNQ2-Related Neonatal Epileptic Encephalopathy. Identifiers: Orphanet 439218, MedGen C3150986, MONDO:0013387, OMIM 613720.
Seizures, benign familial neonatal, 2. Also called: Seizures, benign neonatal, 2; Benign Neonatal Epilepsy 2; KCNQ3-Related Self-Limited Familial Neonatal Epilepsy (SLFNE); CONVULSIONS, BENIGN FAMILIAL NEONATAL, 2; KCNQ3-Related Benign Familial Neonatal Epilepsy. Identifiers: Orphanet 1949, MedGen C1852581, MONDO:0007366, OMIM 121201.

Submissions (4):

GeneDx
Classification: Pathogenic. Last evaluated: 2023-10-07. Review status: criteria provided, single submitter. Criteria: GeneDx Variant Classification Process June 2021. Collection method: clinical testing. Allele origin: germline. Affected: yes.
Comment: Published functional studies demonstrate a damaging effect showing a reduction of the channel current (Dedek et al., 2003); Not observed at significant frequency in large population cohorts (gnomAD); The majority of missense variants in this gene are considered pathogenic (HGMD); This substitution is predicted to be within the transmembrane segment S5; This variant is associated with the following publications: (PMID: 19818940, 17129708, 19380078, 32770121, 12742592)

Labcorp Genetics (formerly Invitae), Labcorp
Classification: Pathogenic for Early-infantile DEE. Last evaluated: 2022-07-11. Review status: criteria provided, single submitter. Criteria: Invitae Variant Classification Sherloc (09022015). Collection method: clinical testing. Allele origin: germline.
Comment: ClinVar contains an entry for this variant (Variation ID: 7389). For these reasons, this variant has been classified as Pathogenic. This variant disrupts the p.Ser247 amino acid residue in KCNQ2. Other variant(s) that disrupt this residue have been determined to be pathogenic (PMID: 29314763, 31199083). This suggests that this residue is clinically significant, and that variants that disrupt this residue are likely to be disease-causing. Experimental studies have shown that this missense change affects KCNQ2 function (PMID: 12742592). Advanced modeling of protein sequence and biophysical properties (such as structural, functional, and spatial information, amino acid conservation, physicochemical variation, residue mobility, and thermodynamic stability) performed at Invitae indicates that this missense variant is expected to disrupt KCNQ2 protein function. This missense change has been observed in individual(s) with clinical features of KCNQ2-related conditions (PMID: 12742592; Invitae). In at least one individual the variant was observed to be de novo. This variant is not present in population databases (gnomAD no frequency). This sequence change replaces serine, which is neutral and polar, with tryptophan, which is neutral and slightly polar, at codon 247 of the KCNQ2 protein (p.Ser247Trp).

OMIM
Classification: Pathogenic for DEVELOPMENTAL AND EPILEPTIC ENCEPHALOPATHY 7. Last evaluated: 2003-04-01. Review status: no assertion criteria provided. Collection method: literature only. Allele origin: germline. Not counted in ClinVar's aggregate classification.

GeneReviews
No classification provided. Condition: Seizures, benign familial neonatal, 2. Review status: no classification provided. Collection method: literature only. Allele origin: germline. Affected: yes. Not counted in ClinVar's aggregate classification.
Comment: Functional effect: Markedly reduced maximal current amplitude (dominant-negative effect on Kv7.2 channels)

Literature cited by the submitters: PubMed 29314763 (cited by Labcorp Genetics (formerly Invitae), Labcorp); PubMed 31199083 (cited by Labcorp Genetics (formerly Invitae), Labcorp); PubMed 12742592 (cited by 3 submitters); NCBI Bookshelf NBK32534 (cited by GeneReviews).